The following is an entry in ClinVar:

NM_001035.3(RYR2):c.11811C>T (p.His3937=)

Gene: RYR2 (ryanodine receptor 2; plus strand). Cytogenetic location: 1q43.
Variant type: single nucleotide variant.
Coding change: c.11811C>T on transcript NM_001035.3 (MANE Select); coding-DNA position 11811, C replaced by T.
Protein change: p.His3937=; no amino-acid change (histidine 3937 retained).
Molecular consequence: synonymous variant.
Genome position (GRCh38, 1-based): chr1:237,778,701, C>T. VCF-style: chr1-237778701-C-T. GRCh37 (hg19) VCF-style: chr1-237942001-C-T.
Identifiers: ClinVar variation 915534 (VCV000915534.19), dbSNP rs370924416, ClinGen allele CA085063.
Genomic context (GRCh38, chr1:237,778,701, plus strand): 5'-TGCCGTTTGTCTGTTTATGCTCCAGGGTCCTTGCACTGGGAATCAACAGAGTTTGGCACA[C>T]AGCAGGCTGTGGGATGCTGTGGTCGGCTTTCTTCATGTGTTTGCCCATATGCAGATGAAG-3'
Protein context (NP_001026.2, residues 3927-3947): PCTGNQQSLA[His3937=]SRLWDAVVGF

ClinVar aggregate classification (germline): Benign/Likely benign. Review status: criteria provided, multiple submitters, no conflicts (2 of 4 stars). 6 submissions from 6 submitters: Benign (1); Likely benign (4). 1 of the submissions does not count toward it. Last evaluated 2025-12-19.

Conditions:
Cardiovascular phenotype. Identifiers: MedGen CN230736.
Catecholaminergic polymorphic ventricular tachycardia (CVPT). Also called: Catecholamine-induced polymorphic ventricular tachycardia. Identifiers: Orphanet 3286, MedGen C5574922, MONDO:0017990.
Catecholaminergic polymorphic ventricular tachycardia 1. Also called: VENTRICULAR TACHYCARDIA, CATECHOLAMINERGIC POLYMORPHIC, 1, WITH OR WITHOUT ATRIAL DYSFUNCTION AND/OR DILATED CARDIOMYOPATHY; VENTRICULAR TACHYCARDIA, STRESS-INDUCED POLYMORPHIC 1; RYR2-Related Catecholaminergic Polymorphic Ventricular Tachycardia. Identifiers: Orphanet 3286, MedGen C1631597, MONDO:0011484, OMIM 604772.
RYR2-related disorder. Also called: RYR2-related condition.
Cardiomyopathy (CMYO). Also called: Cardiomyopathies. Identifiers: Orphanet 167848, MedGen C0878544, MONDO:0004994, HP:0001638. Inheritance: Various modes of inheritance.

Allele frequency attached by ClinVar (database versions not stated): gnomAD exomes 0.00006; ExAC 0.00008; ESP Exome Variant Server 0.00008; gnomAD 0.00013; TOPMed 0.00017.
gnomAD v4.1: 64 of 1,611,262 alleles (0.004%); highest among the groups gnomAD compares: African/African-American, 0.073%; 2 homozygotes.

Submissions (6):

Labcorp Genetics (formerly Invitae), Labcorp
Classification: Likely benign for Catecholaminergic polymorphic ventricular tachycardia 1. Last evaluated: 2025-12-19. Review status: criteria provided, single submitter. Criteria: Invitae Variant Classification Sherloc (09022015). Collection method: clinical testing. Allele origin: germline.

All of Us Research Program, National Institutes of Health
Classification: Likely benign for Catecholaminergic polymorphic ventricular tachycardia. Last evaluated: 2023-12-18. Review status: criteria provided, single submitter. Criteria: ACMG Guidelines, 2015. Collection method: clinical testing. Allele origin: germline. Inheritance: Autosomal dominant inheritance. Observed: 11 variant alleles, 11 heterozygotes.
Comment: This study involves interpretation of variants in research participants for the purpose of population health screening. Participant phenotype was not available at the time of variant classification. Additional details can be found in publication PMID: 35346344, PMCID: PMC8962531

Color Diagnostics, LLC DBA Color Health
Classification: Likely benign for Cardiomyopathy. Last evaluated: 2018-12-03. Review status: criteria provided, single submitter. Criteria: ACMG Guidelines, 2015. Collection method: clinical testing. Allele origin: germline.

CHEO Genetics Diagnostic Laboratory, Children's Hospital of Eastern Ontario
Classification: Benign for Cardiomyopathy. Last evaluated: 2018-03-28. Review status: criteria provided, single submitter. Criteria: ACMG Guidelines, 2015. Collection method: clinical testing. Allele origin: germline.

Ambry Genetics
Classification: Likely benign for Cardiovascular phenotype. Last evaluated: 2018-01-04. Review status: criteria provided, single submitter. Criteria: Ambry Variant Classification Scheme 2023. Collection method: clinical testing. Allele origin: germline.

PreventionGenetics, part of Exact Sciences
Classification: Likely benign for RYR2-related condition. Last evaluated: 2020-09-24. Review status: no assertion criteria provided. Collection method: clinical testing. Allele origin: germline. Not counted in ClinVar's aggregate classification.
Comment: This variant is classified as likely benign based on ACMG/AMP sequence variant interpretation guidelines (Richards et al. 2015 PMID: 25741868, with internal and published modifications).